The following is an entry in ClinVar:

ClinVar aggregate classification (germline): Uncertain significance (1 of 4 stars; one submission).

Submission:

Labcorp Genetics (formerly Invitae), Labcorp
Classification: Uncertain significance. Last evaluated: 2024-01-29. Review status: criteria provided, single submitter. Criteria: Invitae Variant Classification Sherloc (09022015). Collection method: clinical testing. Allele origin: germline.
Comment: This sequence change replaces arginine, which is basic and polar, with tryptophan, which is neutral and slightly polar, at codon 343 of the SAMD11 protein (p.Arg343Trp). This variant is present in population databases (no rsID available, gnomAD 0.06%). This variant has not been reported in the literature in individuals affected with SAMD11-related conditions. ClinVar contains an entry for this variant (Variation ID: 836156). Experimental studies and prediction algorithms are not available or were not evaluated, and the functional significance of this variant is currently unknown. In summary, the available evidence is currently insufficient to determine the role of this variant in disease. Therefore, it has been classified as a Variant of Uncertain Significance.

NM_001385641.1(SAMD11):c.1516= (p.Trp506=)

Gene: SAMD11 (sterile alpha motif domain containing 11; plus strand). Cytogenetic location: 1p36.33.
Variant type: Variation.
Coding change: c.1516= on transcript NM_001385641.1 (MANE Select); coding-DNA position 1516, no change from the reference sequence.
Protein change: p.Trp506=; no amino-acid change (tryptophan 506 retained).
Molecular consequence: no sequence alteration.
Genome position: GRCh38 VCF-style: chr1-942451-T-T. GRCh37 (hg19) VCF-style: chr1-877831-T-T.
Other names: c.1519=, p.Trp507= (NM_001385640.1); c.1027=, p.Trp343= (NM_152486.4).
Identifiers: ClinVar variation 836156 (VCV000836156.5).